The following is an entry in ClinVar:

NM_001903.5(CTNNA1):c.869T>C (p.Ile290Thr)

Gene: CTNNA1 (catenin alpha 1; plus strand). Cytogenetic location: 5q31.2.
Variant type: single nucleotide variant.
Coding change: c.869T>C on transcript NM_001903.5 (MANE Select); coding-DNA position 869, T replaced by C.
Protein change: p.Ile290Thr; replaces isoleucine 290 with threonine.
Molecular consequence: missense variant.
Genome position (GRCh38, 1-based): chr5:138,827,525, T>C. VCF-style: chr5-138827525-T-C. GRCh37 (hg19) VCF-style: chr5-138163214-T-C.
Other names: c.869T>C, p.Ile290Thr (NM_001290307.3, NM_001323982.2, NM_001323983.1 and 3 more transcripts); c.560T>C, p.Ile187Thr (NM_001290309.3); c.500T>C, p.Ile167Thr (NM_001290310.3); short protein forms I167T, I187T, I290T.
Identifiers: ClinVar variation 2060721 (VCV002060721.4), dbSNP rs2532445943, ClinGen allele CA361130652.

ClinVar aggregate classification (germline): Uncertain significance (1 of 4 stars; one submission).

Submission:

Labcorp Genetics (formerly Invitae), Labcorp
Classification: Uncertain significance. Last evaluated: 2021-12-25. Review status: criteria provided, single submitter. Criteria: Invitae Variant Classification Sherloc (09022015). Collection method: clinical testing. Allele origin: germline.
Comment: In summary, the available evidence is currently insufficient to determine the role of this variant in disease. Therefore, it has been classified as a Variant of Uncertain Significance. This sequence change replaces isoleucine, which is neutral and non-polar, with threonine, which is neutral and polar, at codon 290 of the CTNNA1 protein (p.Ile290Thr). This variant is not present in population databases (gnomAD no frequency). This variant has not been reported in the literature in individuals affected with CTNNA1-related conditions. Algorithms developed to predict the effect of missense changes on protein structure and function are either unavailable or do not agree on the potential impact of this missense change (SIFT: "Deleterious"; PolyPhen-2: "Benign"; Align-GVGD: "Class C0").